The following is an entry in ClinVar:

ClinVar aggregate classification (germline): Uncertain significance (1 of 4 stars; one submission).

Allele frequency attached by ClinVar (database versions not stated): gnomAD 0.00001 and 0.00003; gnomAD exomes 0.00001 and 0.00002; TOPMed 0.00003.
gnomAD v4.1: 13 of 1,610,836 alleles (0.00081%); highest among the groups gnomAD compares: Non-Finnish European, 0.0011%; no homozygotes.

Submission:

Labcorp Genetics (formerly Invitae), Labcorp
Classification: Uncertain significance. Last evaluated: 2024-03-11. Review status: criteria provided, single submitter. Criteria: Invitae Variant Classification Sherloc (09022015). Collection method: clinical testing. Allele origin: germline.
Comment: This sequence change falls in intron 5 of the RGR gene. It does not directly change the encoded amino acid sequence of the RGR protein. It affects a nucleotide within the consensus splice site. This variant is present in population databases (rs753369140, gnomAD 0.004%). This variant has not been reported in the literature in individuals affected with RGR-related conditions. ClinVar contains an entry for this variant (Variation ID: 1005278). Variants that disrupt the consensus splice site are a relatively common cause of aberrant splicing (PMID: 17576681, 9536098). Algorithms developed to predict the effect of sequence changes on RNA splicing suggest that this variant is not likely to affect RNA splicing. In summary, the available evidence is currently insufficient to determine the role of this variant in disease. Therefore, it has been classified as a Variant of Uncertain Significance.

Literature cited by the submitters: PubMed 17576681; PubMed 9536098.

NM_001012720.2(RGR):c.630+6G>A

Gene: RGR (retinal G protein coupled receptor; plus strand). Cytogenetic location: 10q23.1.
Variant type: single nucleotide variant.
Coding change: c.630+6G>A on transcript NM_001012720.2 (MANE Select); 6 bases into the intron after coding-DNA position 630, G replaced by A.
Molecular consequence: intron variant.
Genome position (GRCh38, 1-based): chr10:84,254,449, G>A. VCF-style: chr10-84254449-G-A. GRCh37 (hg19) VCF-style: chr10-86014205-G-A.
Other names: c.642+6G>A (NM_002921.4); c.630+6G>A (NM_001012722.2).
Identifiers: ClinVar variation 1005278 (VCV001005278.6), dbSNP rs753369140, ClinGen allele CA5581513.
Genomic context (GRCh38, chr10:84,254,449, plus strand): 5'-GATCACTTCCTACAGTCTCATGGAGCAGAAACTGGGGAAGAGTGGCCATCTCCAGGTAAG[G>A]ACCCCCTTCCGGAGTGTTATCTGATGGTGCAGCGCAGCTCCAGGCTCTTGGTGTCCCGAA-3'